The following is an entry in ClinVar:

ClinVar aggregate classification (germline): Benign/Likely benign. Review status: criteria provided, multiple submitters, no conflicts (2 of 4 stars). 2 submissions from 2 submitters: Benign (1); Likely benign (1). Last evaluated 2025-01-14.

Conditions:
Familial cancer of breast. Also called: Hereditary breast cancer; BREAST CANCER, FAMILIAL; hereditary breast carcinoma. Identifiers: Orphanet 227535, MedGen C0346153, MONDO:0016419, OMIM 114480. Disease mechanism: loss of function.

Allele frequency attached by ClinVar (database versions not stated): gnomAD exomes below 0.00001.
gnomAD v4.1: 1 of 1,614,174 alleles (0.000062%); highest among the groups gnomAD compares: Non-Finnish European, 0.000085%; no homozygotes.

Submissions (2):

Myriad Genetics, Inc.
Classification: Benign for Familial cancer of breast. Last evaluated: 2025-01-14. Review status: criteria provided, single submitter. Criteria: Myriad Autosomal Dominant, Autosomal Recessive and X-Linked Classification Criteria (2023). Collection method: clinical testing. Allele origin: unknown.
Comment: This variant is considered benign. This variant is a silent/synonymous amino acid change and it is not expected to impact splicing.

Labcorp Genetics (formerly Invitae), Labcorp
Classification: Likely benign for Familial cancer of breast. Last evaluated: 2024-11-22. Review status: criteria provided, single submitter. Criteria: Invitae Variant Classification Sherloc (09022015). Collection method: clinical testing. Allele origin: germline.

NM_024675.4(PALB2):c.1587A>C (p.Pro529=)

Gene: PALB2 (partner and localizer of BRCA2; minus strand). Cytogenetic location: 16p12.2.
Variant type: single nucleotide variant.
Coding change: c.1587A>C on transcript NM_024675.4 (MANE Select); coding-DNA position 1587, A replaced by C.
Protein change: p.Pro529=; no amino-acid change (proline 529 retained).
Molecular consequence: synonymous variant.
Genome position (GRCh38, 1-based): chr16:23,634,959, T>G on the plus strand (A>C on the coding strand, the complement: PALB2 is on the minus strand). VCF-style: chr16-23634959-T-G. GRCh37 (hg19) VCF-style: chr16-23646280-T-G.
Identifiers: ClinVar variation 760679 (VCV000760679.11), dbSNP rs1597095555, ClinGen allele CA494461264.